The following is an entry in ClinVar:

ClinVar aggregate classification (germline): Uncertain significance (1 of 4 stars; one submission).

Conditions:
Cardiovascular phenotype. Identifiers: MedGen CN230736.

Allele frequency attached by ClinVar (database versions not stated): gnomAD exomes below 0.00001; ExAC 0.00001; gnomAD 0.00001; TOPMed 0.00001; ESP Exome Variant Server 0.00012.
gnomAD v4.1: 4 of 1,606,620 alleles (0.00025%); highest among the groups gnomAD compares: Non-Finnish European, 0.00034%; no homozygotes.

Submission:

Ambry Genetics
Classification: Uncertain significance for Cardiovascular phenotype. Last evaluated: 2022-06-19. Review status: criteria provided, single submitter. Criteria: Ambry Variant Classification Scheme 2023. Collection method: clinical testing. Allele origin: germline.
Comment: The p.D3485G variant (also known as c.10454A>G), located in coding exon 30 of the TNXB gene, results from an A to G substitution at nucleotide position 10454. The aspartic acid at codon 3485 is replaced by glycine, an amino acid with similar properties. This amino acid position is conserved. In addition, this alteration is predicted to be tolerated by in silico analysis. Since supporting evidence is limited at this time, the clinical significance of this alteration remains unclear.

NM_001365276.2(TNXB):c.10460A>G (p.Asp3487Gly)

Gene: TNXB (tenascin XB; minus strand). Cytogenetic location: 6p21.33.
Variant type: single nucleotide variant.
Coding change: c.10460A>G on transcript NM_001365276.2 (MANE Select); coding-DNA position 10460, A replaced by G.
Protein change: p.Asp3487Gly; replaces aspartic acid 3487 with glycine.
Molecular consequence: missense variant.
Genome position (GRCh38, 1-based): chr6:32,046,321, T>C on the plus strand (A>G on the coding strand, the complement: TNXB is on the minus strand). VCF-style: chr6-32046321-T-C. GRCh37 (hg19) VCF-style: chr6-32014098-T-C.
Other names: c.10454A>G, p.Asp3485Gly (NM_019105.8); short protein forms D3485G, D3487G.
Identifiers: ClinVar variation 1775155 (VCV001775155.2), dbSNP rs374378251, ClinGen allele CA3733217.